The following is an entry in ClinVar:

NM_001080517.3(SETD5):c.638G>A (p.Trp213Ter)

Gene: SETD5 (SET domain containing 5; plus strand). Cytogenetic location: 3p25.3.
Variant type: single nucleotide variant.
Coding change: c.638G>A on transcript NM_001080517.3 (MANE Select); coding-DNA position 638, G replaced by A.
Protein change: p.Trp213Ter; replaces tryptophan 213 with a stop codon.
Molecular consequence: nonsense.
Genome position (GRCh38, 1-based): chr3:9,440,526, G>A. VCF-style: chr3-9440526-G-A. GRCh37 (hg19) VCF-style: chr3-9482210-G-A.
Other names: c.344G>A, p.Trp115Ter (NM_001292043.2, NM_001349451.2); c.734G>A, p.Trp245Ter (NM_001437633.1); c.695G>A, p.Trp232Ter (NM_001437635.1); c.638G>A, p.Trp213Ter (NM_001437643.1); c.677G>A, p.Trp226Ter (NM_001437701.1); short protein forms W115*, W226*, W232*, W245*, W213*.
Identifiers: ClinVar variation 5001312 (VCV005001312.1).

ClinVar aggregate classification (germline): Likely pathogenic (1 of 4 stars; one submission).

Conditions:
SETD5-related disorder. Also called: SETD5-related disorders; SETD5-related condition.

Submission:

PreventionGenetics, part of Exact Sciences
Classification: Likely pathogenic for SETD5-related condition. Last evaluated: 2025-02-26. Review status: criteria provided, single submitter. Criteria: ACMG Guidelines, 2015. Collection method: clinical testing. Allele origin: germline.
Comment: The SETD5 c.638G>A variant is predicted to result in premature protein termination (p.Trp213*). To our knowledge, this variant has not been reported in the literature or in a large population database (gnomAD), indicating this variant is rare. Nonsense variants in SETD5 are expected to be pathogenic. This variant is interpreted as likely pathogenic.